The following is an entry in ClinVar:

NM_025074.7(FRAS1):c.13A>T (p.Lys5Ter)

Gene: FRAS1 (Fraser extracellular matrix complex subunit 1; plus strand). Cytogenetic location: 4q21.21.
Variant type: single nucleotide variant.
Coding change: c.13A>T on transcript NM_025074.7 (MANE Select); coding-DNA position 13, A replaced by T.
Protein change: p.Lys5Ter; replaces lysine 5 with a stop codon.
Molecular consequence: nonsense.
Genome position (GRCh38, 1-based): chr4:78,058,022, A>T. VCF-style: chr4-78058022-A-T. GRCh37 (hg19) VCF-style: chr4-78979176-A-T.
Other names: c.13A>T, p.Lys5Ter (NM_001166133.2); short protein forms K5*.
Identifiers: ClinVar variation 2501255 (VCV002501255.5), dbSNP rs1282146892, ClinGen allele CA357463371.

ClinVar aggregate classification (germline): Pathogenic/Likely pathogenic. Review status: criteria provided, multiple submitters, no conflicts (2 of 4 stars). 3 submissions from 3 submitters: Pathogenic (1); Likely pathogenic (2). Last evaluated 2025-09-12.

Conditions:
FRAS1-related disorder. Also called: FRAS1-related condition.
Fraser syndrome 1 (FRASRS1). Also called: CRYPTOPHTHALMOS WITH OTHER MALFORMATIONS. Identifiers: Orphanet 2052, MedGen C4551480, MONDO:0054737, OMIM 219000.

Allele frequency attached by ClinVar (database versions not stated): TOPMed 0.00001.

Submissions (3):

PreventionGenetics, part of Exact Sciences
Classification: Likely pathogenic for FRAS1-related condition. Last evaluated: 2025-09-12. Review status: criteria provided, single submitter. Criteria: ACMG Guidelines, 2015. Collection method: clinical testing. Allele origin: germline.
Comment: The FRAS1 c.13A>T variant is predicted to result in premature protein termination (p.Lys5*). To our knowledge, this variant has not been reported in the literature or in a large population database (gnomAD), indicating this variant is rare. Nonsense variants in FRAS1 are expected to be pathogenic. This variant is interpreted as likely pathogenic.

Labcorp Genetics (formerly Invitae), Labcorp
Classification: Pathogenic. Last evaluated: 2023-11-04. Review status: criteria provided, single submitter. Criteria: Invitae Variant Classification Sherloc (09022015). Collection method: clinical testing. Allele origin: germline.
Comment: This sequence change creates a premature translational stop signal (p.Lys5*) in the FRAS1 gene. It is expected to result in an absent or disrupted protein product. Loss-of-function variants in FRAS1 are known to be pathogenic (PMID: 12766769, 18671281). This variant is not present in population databases (gnomAD no frequency). This variant has not been reported in the literature in individuals affected with FRAS1-related conditions. ClinVar contains an entry for this variant (Variation ID: 2501255). For these reasons, this variant has been classified as Pathogenic.

Women's Health and Genetics/Laboratory Corporation of America, LabCorp
Classification: Likely pathogenic for Fraser syndrome 1. Last evaluated: 2023-03-20. Review status: criteria provided, single submitter. Criteria: LabCorp Variant Classification Summary - May 2015. Collection method: clinical testing. Allele origin: germline.
Comment: Variant summary: FRAS1 c.13A>T (p.Lys5X) results in a premature termination codon, predicted to cause a truncation of the encoded protein or absence of the protein due to nonsense mediated decay, which are commonly known mechanisms for disease. Truncations downstream of this position have been classified as pathogenic by our laboratory. Additionally, the next downstream in-frame ATG start site is at codon 297 (exon 9). Other truncating variants downstream of this nonsense variant but upstream of the potential new start codon have been classified as pathogenic in ClinVar and reported in association with Fraser syndrome in HGMD. The variant was absent in 248536 control chromosomes. To our knowledge, no occurrence of c.13A>T in individuals affected with Cryptophthalmos Syndrome and no experimental evidence demonstrating its impact on protein function have been reported. No clinical diagnostic laboratories have submitted clinical-significance assessments for this variant to ClinVar after 2014. Based on the evidence outlined above, the variant was classified as likely pathogenic.

Literature cited by the submitters: PubMed 12766769 (cited by Labcorp Genetics (formerly Invitae), Labcorp); PubMed 18671281 (cited by Labcorp Genetics (formerly Invitae), Labcorp).